The following is an entry in ClinVar:

ClinVar aggregate classification (germline): Benign/Likely benign. Review status: criteria provided, multiple submitters, no conflicts (2 of 4 stars). 2 submissions from 2 submitters: Benign (1); Likely benign (1). Last evaluated 2018-01-12.

Conditions:
Pseudohypoaldosteronism type 2D (PHA2D). Also called: FAMILIAL HYPERKALEMIC HYPERTENSION; PSEUDOHYPOALDOSTERONISM, TYPE IID, AUTOSOMAL DOMINANT OR RECESSIVE; Pseudohypoaldosteronism Type IID. Identifiers: Orphanet 300525, Orphanet 757, MedGen C3469605, MONDO:0013781, OMIM 614495.

Allele frequency attached by ClinVar (database versions not stated): TOPMed 0.00034; gnomAD 0.00035; 1000 Genomes Project 0.00060; 1000 Genomes Project 30x 0.00078.
gnomAD v4.1: 215 of 520,780 alleles (0.041%); highest among the groups gnomAD compares: Admixed American, 0.16%; no homozygotes.

Submissions (2):

Illumina Laboratory Services, Illumina
Classification: Benign for Pseudohypoaldosteronism type 2D. Last evaluated: 2018-01-12. Review status: criteria provided, single submitter. Criteria: ICSL Variant Classification Criteria 13 December 2019. Collection method: clinical testing. Allele origin: germline.
Comment: This variant was observed in the ICSL laboratory as part of a predisposition screen in an ostensibly healthy population. It had not been previously curated by ICSL or reported in the Human Gene Mutation Database (HGMD: prior to June 1st, 2018), and was therefore a candidate for classification through an automated scoring system. Utilizing variant allele frequency, disease prevalence and penetrance estimates, and inheritance mode, an automated score was calculated to assess if this variant is too frequent to cause the disease. Based on the score and internal cut-off values, a variant classified as benign is not then subjected to further curation. The score for this variant resulted in a classification of benign for this disease.

Breakthrough Genomics
Classification: Likely benign. Review status: criteria provided, single submitter. Criteria: ACMG Guidelines, 2015. Collection method: not provided. Allele origin: germline. Inheritance: Autosomal dominant inheritance. Affected: yes.

NM_017415.3(KLHL3):c.-275G>C

Gene: KLHL3 (kelch like family member 3; minus strand). Cytogenetic location: 5q31.2.
Variant type: single nucleotide variant.
Coding change: c.-275G>C on transcript NM_017415.3 (MANE Select); 275 bases upstream of the start codon, G replaced by C.
Molecular consequence: 5 prime UTR variant.
Genome position (GRCh38, 1-based): chr5:137,735,921, C>G on the plus strand (G>C on the coding strand, the complement: KLHL3 is on the minus strand). VCF-style: chr5-137735921-C-G. GRCh37 (hg19) VCF-style: chr5-137071610-C-G.
Identifiers: ClinVar variation 350999 (VCV000350999.7), dbSNP rs189053795, ClinGen allele CA10620239.